The following is an entry in ClinVar:

NM_000051.4(ATM):c.4150C>A (p.His1384Asn)

Gene: ATM (ATM serine/threonine kinase; plus strand). Cytogenetic location: 11q22.3.
Variant type: single nucleotide variant.
Coding change: c.4150C>A on transcript NM_000051.4 (MANE Select); coding-DNA position 4150, C replaced by A.
Protein change: p.His1384Asn; replaces histidine 1384 with asparagine.
Molecular consequence: missense variant.
Genome position (GRCh38, 1-based): chr11:108,289,017, C>A. VCF-style: chr11-108289017-C-A. GRCh37 (hg19) VCF-style: chr11-108159744-C-A.
Other names: c.4150C>A, p.His1384Asn (NM_001351834.2); short protein forms H1384N.
Identifiers: ClinVar variation 233689 (VCV000233689.19), dbSNP rs876660576, ClinGen allele CA10579135.
Genomic context (GRCh38, chr11:108,289,017, plus strand): 5'-TTTTCCCTTAACTCTGTTAGGGATTTGGATCCTGCTCCTAATCCACCTCATTTTCCATCG[C>A]ATGTGATTAAAGCAACATTTGCCTATATCAGCAATTGTCATAAAACCAAGTTAAAAAGCA-3'
Protein context (NP_000042.3, residues 1374-1394): PAPNPPHFPS[His1384Asn]VIKATFAYIS

ClinVar aggregate classification (germline): Conflicting classifications of pathogenicity. Review status: criteria provided, conflicting classifications (1 of 4 stars). 5 submissions from 5 submitters: Uncertain significance (4); Likely benign (1). Last evaluated 2025-12-29.

Conditions:
Ataxia-telangiectasia syndrome (AT). Also called: Ataxia telangiectasia (A-T); LOUIS-BAR SYNDROME; Cerebello-oculocutaneous telangiectasia; Immunodeficiency with ataxia telangiectasia; ATAXIA-TELANGIECTASIA, COMPLEMENTATION GROUP A; ATAXIA-TELANGIECTASIA, FRESNO VARIANT. Identifiers: Orphanet 100, MedGen C0004135, MONDO:0008840, OMIM 208900.
Hereditary cancer-predisposing syndrome. Also called: Tumor predisposition; Hereditary Cancer Syndrome; Hereditary neoplastic syndrome; Neoplastic Syndromes, Hereditary. Identifiers: Orphanet 140162, MedGen C0027672, MeSH D009386, MONDO:0015356.
Familial cancer of breast. Also called: hereditary breast carcinoma; BREAST CANCER, FAMILIAL; Hereditary breast cancer. Identifiers: Orphanet 227535, MedGen C0346153, MONDO:0016419, OMIM 114480. Disease mechanism: loss of function.

Submissions (5):

Center for Genomic Medicine, Rigshospitalet, Copenhagen University Hospital
Classification: Uncertain significance. Last evaluated: 2025-12-29. Review status: criteria provided, single submitter. Criteria: ACMG Guidelines, 2015. Collection method: clinical testing. Allele origin: germline.
Comment: Classification criteria: PM2_supporting, BP4

Labcorp Genetics (formerly Invitae), Labcorp
Classification: Uncertain significance for Ataxia-telangiectasia syndrome. Last evaluated: 2025-10-07. Review status: criteria provided, single submitter. Criteria: Invitae Variant Classification Sherloc (09022015). Collection method: clinical testing. Allele origin: germline.
Comment: This sequence change replaces histidine, which is basic and polar, with asparagine, which is neutral and polar, at codon 1384 of the ATM protein (p.His1384Asn). This variant is not present in population databases (gnomAD no frequency). This variant has not been reported in the literature in individuals affected with ATM-related conditions. ClinVar contains an entry for this variant (Variation ID: 233689). Invitae Evidence Modeling of protein sequence and biophysical properties (such as structural, functional, and spatial information, amino acid conservation, physicochemical variation, residue mobility, and thermodynamic stability) indicates that this missense variant is not expected to disrupt ATM protein function with a negative predictive value of 95%. In summary, the available evidence is currently insufficient to determine the role of this variant in disease. Therefore, it has been classified as a Variant of Uncertain Significance.

Ambry Genetics
Classification: Likely benign for Hereditary cancer-predisposing syndrome. Last evaluated: 2025-07-02. Review status: criteria provided, single submitter. Criteria: Ambry Variant Classification Scheme 2023. Collection method: clinical testing. Allele origin: germline.

Color Diagnostics, LLC DBA Color Health
Classification: Uncertain significance for Hereditary cancer-predisposing syndrome. Last evaluated: 2025-01-07. Review status: criteria provided, single submitter. Criteria: ACMG Guidelines, 2015. Collection method: clinical testing. Allele origin: germline.
Comment: This missense variant replaces histidine with asparagine at codon 1384 of the ATM protein. Computational prediction suggests that this variant may not impact protein structure and function. To our knowledge, functional studies have not been reported for this variant. This variant has not been reported in individuals affected with ATM-related disorders in the literature. This variant has not been identified in the general population by the Genome Aggregation Database (gnomAD). The available evidence is insufficient to determine the role of this variant in disease conclusively. Therefore, this variant is classified as a Variant of Uncertain Significance.

Baylor Genetics
Classification: Uncertain significance for Familial cancer of breast. Last evaluated: 2024-02-07. Review status: criteria provided, single submitter. Criteria: ACMG Guidelines, 2015. Collection method: clinical testing. Allele origin: unknown.